The following is an entry in ClinVar:

NM_021120.4(DLG3):c.5A>C (p.His2Pro)

Gene: DLG3 (discs large MAGUK scaffold protein 3; plus strand). Cytogenetic location: Xq13.1.
Variant type: single nucleotide variant.
Coding change: c.5A>C on transcript NM_021120.4 (MANE Select); coding-DNA position 5, A replaced by C.
Protein change: p.His2Pro; replaces histidine 2 with proline.
Molecular consequence: missense variant.
Genome position (GRCh38, 1-based): chrX:70,445,206, A>C. VCF-style: chrX-70445206-A-C. GRCh37 (hg19) VCF-style: chrX-69665056-A-C.
Other names: short protein forms H2P.
Identifiers: ClinVar variation 1028722 (VCV001028722.8), dbSNP rs1410761133, ClinGen allele CA413490106.

ClinVar aggregate classification (germline): Uncertain significance. Review status: criteria provided, multiple submitters, no conflicts (2 of 4 stars). 5 submissions from 5 submitters: Uncertain significance (3). 2 of the submissions do not count toward it. Last evaluated 2025-10-13.

Conditions:
Inborn genetic diseases. Identifiers: MedGen C0950123, MeSH D030342.
Intellectual developmental disorder, X-linked 90. Also called: DLG3-Related X-Linked Nonsyndromic Mental Retardation; Intellectual disability, X-linked 90. Identifiers: Orphanet 777, MedGen C3275443, MONDO:0010452, OMIM 300850.

Allele frequency attached by ClinVar (database versions not stated): TOPMed below 0.00001; gnomAD exomes 0.00001.
gnomAD v4.1: 10 of 1,156,985 alleles (0.00086%); highest among the groups gnomAD compares: Non-Finnish European, 0.0012%; no homozygotes.

Submissions (5):

Women's Health and Genetics/Laboratory Corporation of America, LabCorp
Classification: Uncertain significance. Last evaluated: 2025-10-13. Review status: criteria provided, single submitter. Criteria: LabCorp Variant Classification Summary - May 2015. Collection method: clinical testing. Allele origin: germline.
Comment: Variant summary: DLG3 c.5A>C (p.His2Pro) results in a non-conservative amino acid change in the encoded protein sequence. Algorithms developed to predict the effect of missense changes on protein structure and function are either unavailable or do not agree on the potential impact of this missense change. The variant allele was found at a frequency of 1e-05 in 99170 control chromosomes. The available data on variant occurrences in the general population are insufficient to allow any conclusion about variant significance. To our knowledge, no occurrence of c.5A>C in individuals affected with DLG3-related conditions and no experimental evidence demonstrating its impact on protein function have been reported. ClinVar contains an entry for this variant (Variation ID: 1028722). Based on the evidence outlined above, the variant was classified as uncertain significance.

Ambry Genetics
Classification: Uncertain significance for Inborn genetic diseases. Last evaluated: 2021-08-17. Review status: criteria provided, single submitter. Criteria: Ambry Variant Classification Scheme 2023. Collection method: clinical testing. Allele origin: germline.

Baylor Genetics
Classification: Uncertain significance for Intellectual developmental disorder, X-linked 90. Last evaluated: 2020-09-09. Review status: criteria provided, single submitter. Criteria: ACMG Guidelines, 2015. Collection method: clinical testing. Allele origin: unknown. Affected: yes.
Comment: This variant was determined to be of uncertain significance according to ACMG Guidelines, 2015 [PMID:25741868].

Joint Genome Diagnostic Labs from Nijmegen and Maastricht, Radboudumc and MUMC+
Classification: Uncertain significance. Review status: no assertion criteria provided. Collection method: clinical testing. Allele origin: germline. Affected: yes. Study: VKGL Data-share Consensus. Not counted in ClinVar's aggregate classification.

Laboratory of Diagnostic Genome Analysis, Leiden University Medical Center (LUMC)
Classification: Uncertain significance. Review status: no assertion criteria provided. Collection method: clinical testing. Allele origin: germline. Affected: yes. Study: VKGL Data-share Consensus. Not counted in ClinVar's aggregate classification.